The following is an entry in ClinVar:

ClinVar aggregate classification (germline): Benign/Likely benign. Review status: criteria provided, multiple submitters, no conflicts (2 of 4 stars). 2 submissions from 2 submitters: Benign (1); Likely benign (1). Last evaluated 2026-01-26.

Allele frequency attached by ClinVar (database versions not stated): gnomAD 0.00004 and 0.00009; TOPMed 0.00008; ExAC 0.00012; 1000 Genomes Project 0.00100; 1000 Genomes Project 30x 0.00109.
gnomAD v4.1: 113 of 1,613,730 alleles (0.007%); highest among the groups gnomAD compares: East Asian, 0.06%; 2 homozygotes.

Submissions (2):

Labcorp Genetics (formerly Invitae), Labcorp
Classification: Benign. Last evaluated: 2026-01-26. Review status: criteria provided, single submitter. Criteria: Invitae Variant Classification Sherloc (09022015). Collection method: clinical testing. Allele origin: germline.

CeGaT Center for Human Genetics Tuebingen
Classification: Likely benign. Last evaluated: 2025-05-01. Review status: criteria provided, single submitter. Criteria: CeGaT Center For Human Genetics Tuebingen Variant Classification Criteria Version 2. Collection method: clinical testing. Allele origin: germline. Affected: yes. Observed: 1 variant allele.
Comment: COL4A2: BP4, BP7

NM_001846.4(COL4A2):c.1500A>T (p.Gly500=)

Genes: COL4A2 (collagen type IV alpha 2 chain; plus strand), COL4A2-AS2 (COL4A2 antisense RNA 2; minus strand). Cytogenetic location: 13q34.
Variant type: single nucleotide variant.
Coding change: c.1500A>T on transcript NM_001846.4 (MANE Select); coding-DNA position 1500, A replaced by T.
Protein change: p.Gly500=; no amino-acid change (glycine 500 retained).
Molecular consequence: synonymous variant.
Genome position (GRCh38, 1-based): chr13:110,458,838, A>T. VCF-style: chr13-110458838-A-T. GRCh37 (hg19) VCF-style: chr13-111111185-A-T.
Identifiers: ClinVar variation 1590978 (VCV001590978.18), dbSNP rs144654464, ClinGen allele CA7049608.